The following is an entry in ClinVar:

ClinVar aggregate classification (germline): Uncertain significance (1 of 4 stars; one submission).

Submission:

GeneDx
Classification: Uncertain significance. Last evaluated: 2022-10-27. Review status: criteria provided, single submitter. Criteria: GeneDx Variant Classification Process June 2021. Collection method: clinical testing. Allele origin: germline. Affected: yes.
Comment: Not observed at significant frequency in large population cohorts (gnomAD); In silico analysis supports that this missense variant does not alter protein structure/function; Has not been previously published as pathogenic or benign to our knowledge

NM_000075.4(CDK4):c.337C>A (p.Pro113Thr)

Gene: CDK4 (cyclin dependent kinase 4; minus strand). Cytogenetic location: 12q14.1.
Variant type: single nucleotide variant.
Coding change: c.337C>A on transcript NM_000075.4 (MANE Select); coding-DNA position 337, C replaced by A.
Protein change: p.Pro113Thr; replaces proline 113 with threonine.
Molecular consequence: missense variant.
Genome position (GRCh38, 1-based): chr12:57,751,224, G>T on the plus strand (C>A on the coding strand, the complement: CDK4 is on the minus strand). VCF-style: chr12-57751224-G-T. GRCh37 (hg19) VCF-style: chr12-58145007-G-T.
Other names: short protein forms P113T.
Identifiers: ClinVar variation 2500534 (VCV002500534.1), dbSNP rs2140387241, ClinGen allele CA385547552.